The following is an entry in ClinVar:

ClinVar aggregate classification (germline): Uncertain significance. Review status: criteria provided, multiple submitters, no conflicts (2 of 4 stars). 2 submissions from 2 submitters: Uncertain significance (2). Last evaluated 2026-08-24.

Conditions:
Cardiovascular phenotype. Identifiers: MedGen CN230736.
Arrhythmogenic right ventricular dysplasia 9 (ARVD9). Also called: Arrhythmogenic Right Ventricular Dysplasia/Cardiomyopathy 9; ARRHYTHMOGENIC RIGHT VENTRICULAR DYSPLASIA, FAMILIAL, 9. Identifiers: MedGen C1836906, MONDO:0012180, OMIM 609040.

Submissions (2):

Ambry Genetics
Classification: Uncertain significance for Cardiovascular phenotype. Last evaluated: 2026-08-24. Review status: criteria provided, single submitter. Criteria: Ambry Variant Classification Scheme 2023. Collection method: clinical testing. Allele origin: germline.
Comment: The p.T454I variant (also known as c.1361C>T), located in coding exon 5 of the PKP2 gene, results from a C to T substitution at nucleotide position 1361. The threonine at codon 454 is replaced by isoleucine, an amino acid with similar properties. This amino acid position is conserved. In addition, this alteration is predicted to be tolerated by in silico analysis. Based on the available evidence, the clinical significance of this variant remains unclear.

Labcorp Genetics (formerly Invitae), Labcorp
Classification: Uncertain significance for Arrhythmogenic right ventricular dysplasia 9. Last evaluated: 2021-03-11. Review status: criteria provided, single submitter. Criteria: Invitae Variant Classification Sherloc (09022015). Collection method: clinical testing. Allele origin: germline.
Comment: In summary, the available evidence is currently insufficient to determine the role of this variant in disease. Therefore, it has been classified as a Variant of Uncertain Significance. Algorithms developed to predict the effect of missense changes on protein structure and function (SIFT, PolyPhen-2, Align-GVGD) all suggest that this variant is likely to be tolerated, but these predictions have not been confirmed by published functional studies and their clinical significance is uncertain. This variant has not been reported in the literature in individuals with PKP2-related conditions. This variant is not present in population databases (ExAC no frequency). This sequence change replaces threonine with isoleucine at codon 454 of the PKP2 protein (p.Thr454Ile). The threonine residue is highly conserved and there is a moderate physicochemical difference between threonine and isoleucine.

NM_001005242.3(PKP2):c.1361C>T (p.Thr454Ile)

Gene: PKP2 (plakophilin 2; minus strand). Cytogenetic location: 12p11.21.
Variant type: single nucleotide variant.
Coding change: c.1361C>T on transcript NM_001005242.3 (MANE Select); coding-DNA position 1361, C replaced by T.
Protein change: p.Thr454Ile; replaces threonine 454 with isoleucine.
Molecular consequence: missense variant.
Genome position (GRCh38, 1-based): chr12:32,850,783, G>A on the plus strand (C>T on the coding strand, the complement: PKP2 is on the minus strand). VCF-style: chr12-32850783-G-A. GRCh37 (hg19) VCF-style: chr12-33003717-G-A.
Other names: c.1361C>T, p.Thr454Ile (NM_004572.4); c.1361C>T (NM_004572.3); short protein forms T454I.
Identifiers: ClinVar variation 1516013 (VCV001516013.9), dbSNP rs2137862174, ClinGen allele CA384369620.